The following is an entry in ClinVar:

ClinVar aggregate classification (germline): Uncertain significance (1 of 4 stars; one submission).

Conditions:
ALG1-congenital disorder of glycosylation. Also called: CDG Ik; ALG1-CDG; CONGENITAL DISORDER OF GLYCOSYLATION, TYPE Ik. Identifiers: Orphanet 79327, MedGen C2931005, MONDO:0012052, OMIM 608540.

Submission:

Labcorp Genetics (formerly Invitae), Labcorp
Classification: Uncertain significance for ALG1-congenital disorder of glycosylation. Last evaluated: 2022-03-31. Review status: criteria provided, single submitter. Criteria: Invitae Variant Classification Sherloc (09022015). Collection method: clinical testing. Allele origin: germline.
Comment: Advanced modeling of protein sequence and biophysical properties (such as structural, functional, and spatial information, amino acid conservation, physicochemical variation, residue mobility, and thermodynamic stability) performed at Invitae indicates that this missense variant is not expected to disrupt ALG1 protein function. This variant has not been reported in the literature in individuals affected with ALG1-related conditions. This variant is not present in population databases (gnomAD no frequency). This sequence change replaces asparagine, which is neutral and polar, with aspartic acid, which is acidic and polar, at codon 311 of the ALG1 protein (p.Asn311Asp). In summary, the available evidence is currently insufficient to determine the role of this variant in disease. Therefore, it has been classified as a Variant of Uncertain Significance.

NM_019109.5(ALG1):c.931A>G (p.Asn311Asp)

Gene: ALG1 (ALG1 chitobiosyldiphosphodolichol beta-mannosyltransferase; plus strand). Cytogenetic location: 16p13.3.
Variant type: single nucleotide variant.
Coding change: c.931A>G on transcript NM_019109.5 (MANE Select); coding-DNA position 931, A replaced by G.
Protein change: p.Asn311Asp; replaces asparagine 311 with aspartic acid.
Molecular consequence: missense variant.
Genome position (GRCh38, 1-based): chr16:5,079,777, A>G. VCF-style: chr16-5079777-A-G. GRCh37 (hg19) VCF-style: chr16-5129778-A-G.
Other names: c.598A>G, p.Asn200Asp (NM_001330504.2); short protein forms N200D, N311D.
Identifiers: ClinVar variation 2119952 (VCV002119952.4), dbSNP rs2505866099, ClinGen allele CA394672337.